The following is an entry in ClinVar:

ClinVar aggregate classification (germline): Likely benign. Review status: criteria provided, multiple submitters, no conflicts (2 of 4 stars). 3 submissions from 3 submitters: Likely benign (3). Last evaluated 2026-08-19.

Conditions:
ZNF292-related disorder. Also called: ZNF292-related condition.
Inborn genetic diseases. Identifiers: MedGen C0950123, MeSH D030342.

Allele frequency attached by ClinVar (database versions not stated): TOPMed 0.00029; gnomAD exomes 0.00041 and 0.00044; ESP Exome Variant Server 0.00042; ExAC 0.00045; gnomAD 0.00054 and 0.00055.
gnomAD v4.1: 699 of 1,613,636 alleles (0.043%); highest among the groups gnomAD compares: Non-Finnish European, 0.051%; 1 homozygote.

Submissions (3):

Ambry Genetics
Classification: Likely benign for Inborn genetic diseases. Last evaluated: 2026-08-19. Review status: criteria provided, single submitter. Criteria: Ambry Variant Classification Scheme 2023. Collection method: clinical testing. Allele origin: germline.

PreventionGenetics, part of Exact Sciences
Classification: Likely benign for ZNF292-related condition. Last evaluated: 2025-07-02. Review status: criteria provided, single submitter. Criteria: ACMG Guidelines, 2015. Collection method: clinical testing. Allele origin: germline.
Comment: This variant is classified as likely benign based on ACMG/AMP sequence variant interpretation guidelines (Richards et al. 2015 PMID: 25741868, with internal and published modifications).

CeGaT Center for Human Genetics Tuebingen
Classification: Likely benign. Last evaluated: 2024-04-01. Review status: criteria provided, single submitter. Criteria: CeGaT Center For Human Genetics Tuebingen Variant Classification Criteria Version 2. Collection method: clinical testing. Allele origin: germline. Affected: yes. Observed: 2 variant alleles.
Comment: ZNF292: BS2

NM_015021.3(ZNF292):c.3190C>T (p.Pro1064Ser)

Gene: ZNF292 (zinc finger protein 292; plus strand). Cytogenetic location: 6q14.3.
Variant type: single nucleotide variant.
Coding change: c.3190C>T on transcript NM_015021.3 (MANE Select); coding-DNA position 3190, C replaced by T.
Protein change: p.Pro1064Ser; replaces proline 1064 with serine.
Molecular consequence: missense variant.
Genome position (GRCh38, 1-based): chr6:87,256,819, C>T. VCF-style: chr6-87256819-C-T. GRCh37 (hg19) VCF-style: chr6-87966537-C-T.
Other names: c.3190C>T (NM_015021.1); c.2770C>T, p.Pro924Ser (NM_001351444.2); short protein forms P1064S, P924S.
Identifiers: ClinVar variation 1335634 (VCV001335634.37), dbSNP rs201859341, ClinGen allele CA3914079.